The following is an entry in ClinVar:

NM_000186.4(CFH):c.2424A>G (p.Ile808Met)

Gene: CFH (complement factor H; plus strand). Cytogenetic location: 1q31.3.
Variant type: single nucleotide variant.
Coding change: c.2424A>G on transcript NM_000186.4 (MANE Select); coding-DNA position 2424, A replaced by G.
Protein change: p.Ile808Met; replaces isoleucine 808 with methionine.
Molecular consequence: missense variant.
Genome position (GRCh38, 1-based): chr1:196,736,834, A>G. VCF-style: chr1-196736834-A-G. GRCh37 (hg19) VCF-style: chr1-196705964-A-G.
Other names: p.Ile808Met; short protein forms I808M.
Identifiers: ClinVar variation 875193 (VCV000875193.11), dbSNP rs752302466, ClinGen allele CA1305665.

ClinVar aggregate classification (germline): Conflicting classifications of pathogenicity. Review status: criteria provided, conflicting classifications (1 of 4 stars). 8 submissions from 5 submitters: Uncertain significance (7); Benign (1). Last evaluated 2026-05-18.

Conditions:
CFH-related disorder. Also called: CFH-related disorders; CFH-related condition.
Age related macular degeneration 4. Identifiers: MedGen C1853147, MONDO:0012540, OMIM 610698.
Factor H deficiency (CFHD). Also called: COMPLEMENT FACTOR H DEFICIENCY; CFH DEFICIENCY. Identifiers: Orphanet 200421, MedGen C0398777, MONDO:0012350, OMIM 609814.
Basal laminar drusen. Also called: DRUSEN OF BRUCH MEMBRANE; DRUSEN, CUTICULAR; DRUSEN, EARLY ADULT-ONSET, GROUPED. Identifiers: Orphanet 75376, MedGen C0730295, MONDO:0007472, OMIM 126700.
Hemolytic uremic syndrome, atypical, susceptibility to, 1. Also called: AHUS, SUSCEPTIBILITY TO, 1. Identifiers: Orphanet 2134, Orphanet 90038, MedGen C2749604, MONDO:0009335, OMIM 235400. Disease mechanism: Other.
CFH-Related Dense Deposit Disease / Membranoproliferative Glomerulonephritis Type II. Identifiers: MedGen CN071292.

Allele frequency attached by ClinVar (database versions not stated): gnomAD 0.00002; gnomAD exomes 0.00003 and 0.00014; TOPMed 0.00005; ExAC 0.00013.
gnomAD v4.1: 38 of 1,429,608 alleles (0.0027%); highest among the groups gnomAD compares: Admixed American, 0.075%; no homozygotes.

Submissions (8):

PreventionGenetics, part of Exact Sciences
Classification: Uncertain significance for CFH-related condition. Last evaluated: 2026-05-18. Review status: criteria provided, single submitter. Criteria: ACMG Guidelines, 2015. Collection method: clinical testing. Allele origin: germline.
Comment: The CFH c.2424A>G variant is predicted to result in the amino acid substitution p.Ile808Met. To our knowledge, this variant has not been reported in the literature. This variant is reported in 0.12% of alleles in individuals of Latino descent in gnomAD. At this time, the clinical significance of this variant is uncertain due to the absence of conclusive functional and genetic evidence.

Labcorp Genetics (formerly Invitae), Labcorp
Classification: Uncertain significance. Last evaluated: 2025-11-15. Review status: criteria provided, single submitter. Criteria: Invitae Variant Classification Sherloc (09022015). Collection method: clinical testing. Allele origin: germline.
Comment: This sequence change replaces isoleucine, which is neutral and non-polar, with methionine, which is neutral and non-polar, at codon 808 of the CFH protein (p.Ile808Met). This variant is present in population databases (rs752302466, gnomAD 0.1%). This variant has not been reported in the literature in individuals affected with CFH-related conditions. ClinVar contains an entry for this variant (Variation ID: 875193). An algorithm developed to predict the effect of missense changes on protein structure and function outputs the following: PolyPhen-2: "Benign". The methionine amino acid residue is found in multiple mammalian species, which suggests that this missense change does not adversely affect protein function. In summary, the available evidence is currently insufficient to determine the role of this variant in disease. Therefore, it has been classified as a Variant of Uncertain Significance.

Fulgent Genetics
Classification: Uncertain significance for Basal laminar drusen; Hemolytic uremic syndrome, atypical, susceptibility to, 1; Factor H deficiency; Age related macular degeneration 4. Last evaluated: 2024-02-07. Review status: criteria provided, single submitter. Criteria: ACMG Guidelines, 2015. Collection method: clinical testing. Allele origin: germline.

Mayo Clinic Laboratories, Mayo Clinic
Classification: Uncertain significance. Last evaluated: 2023-11-07. Review status: criteria provided, single submitter. Criteria: ACMG Guidelines, 2015. Collection method: clinical testing. Allele origin: germline. Observed: 1 variant allele.
Comment: BP4

Illumina Laboratory Services, Illumina
Classification: Uncertain significance for Membranoproliferative glomerulonephritis with complement factor h deficiency. Last evaluated: 2018-01-12. Review status: criteria provided, single submitter. Criteria: ICSL Variant Classification Criteria 13 December 2019. Collection method: clinical testing. Allele origin: germline.

Illumina Laboratory Services, Illumina
Classification: Benign for Hemolytic uremic syndrome, atypical, susceptibility to, 1. Last evaluated: 2018-01-12. Review status: criteria provided, single submitter. Criteria: ICSL Variant Classification Criteria 13 December 2019. Collection method: clinical testing. Allele origin: germline.
Comment: This variant was observed in the ICSL laboratory as part of a predisposition screen in an ostensibly healthy population. It had not been previously curated by ICSL or reported in the Human Gene Mutation Database (HGMD: prior to June 1st, 2018), and was therefore a candidate for classification through an automated scoring system. Utilizing variant allele frequency, disease prevalence and penetrance estimates, and inheritance mode, an automated score was calculated to assess if this variant is too frequent to cause the disease. Based on the score and internal cut-off values, a variant classified as benign is not then subjected to further curation. The score for this variant resulted in a classification of benign for this disease.

Illumina Laboratory Services, Illumina
Classification: Uncertain significance for Age related macular degeneration 4. Last evaluated: 2018-01-12. Review status: criteria provided, single submitter. Criteria: ICSL Variant Classification Criteria 13 December 2019. Collection method: clinical testing. Allele origin: germline.

Illumina Laboratory Services, Illumina
Classification: Uncertain significance for Basal laminar drusen. Last evaluated: 2018-01-12. Review status: criteria provided, single submitter. Criteria: ICSL Variant Classification Criteria 13 December 2019. Collection method: clinical testing. Allele origin: germline.